The following is an entry in ClinVar:

NM_000349.3(STAR):c.229del (p.Gln77fs)

Gene: STAR (steroidogenic acute regulatory protein; minus strand). Cytogenetic location: 8p11.23.
Variant type: Deletion.
Coding change: c.229del on transcript NM_000349.3 (MANE Select); coding-DNA position 229, one base deleted (C; older notation c.229delC).
Protein change: p.Gln77fs; shifts the reading frame from glutamine 77.
Molecular consequence: frameshift variant.
Genome position (GRCh38, 1-based): chr8:38,148,277, G deleted on the plus strand (C on the coding strand, the reverse complement: STAR is on the minus strand); the first of 2 consecutive G bases (chr8:38,148,277-38,148,278); deleting either gives the same sequence. VCF-style (leftmost placement, unchanged base first): chr8-38148276-TG-T. GRCh37 (hg19) VCF-style: chr8-38005794-TG-T.
Other names: short protein forms Q77fs.
Identifiers: ClinVar variation 1724262 (VCV001724262.2), dbSNP rs2487067543, ClinGen allele CA2580078234.

ClinVar aggregate classification (germline): Likely pathogenic (1 of 4 stars; one submission).

Conditions:
Congenital lipoid adrenal hyperplasia due to STAR deficency. Also called: Congenital Lipoid Adrenal Hyperplasia; Cholesterol monooxygenase (side-chain cleaving) deficiency; Lipoid adrenal hyperplasia; ADRENAL HYPERPLASIA I. Identifiers: Orphanet 418, Orphanet 90790, MedGen C0342474, MONDO:0008725, OMIM 201710.

Submission:

Myriad Genetics, Inc.
Classification: Likely pathogenic for Congenital lipoid adrenal hyperplasia due to STAR deficency. Last evaluated: 2022-02-02. Review status: criteria provided, single submitter. Criteria: Myriad Women's Health Autosomal Recessive and X-Linked Classification Criteria (2021). Collection method: clinical testing. Allele origin: unknown.
Comment: NM_000349.2(STAR):c.229delC(Q77Sfs*32) is expected to be pathogenic in the context of lipoid congenital adrenal hyperplasia. This variant is predicted to lead to an abnormal or absent protein product due to the creation of a premature termination codon in STAR, a gene where loss-of-function variants are known to be pathogenic. Please note: this variant was assessed in the context of healthy population screening.